The following is an entry in ClinVar:

NM_001042492.3(NF1):c.7037A>T (p.Asp2346Val)

Gene: NF1 (neurofibromin 1; plus strand). Cytogenetic location: 17q11.2.
Variant type: single nucleotide variant.
Coding change: c.7037A>T on transcript NM_001042492.3 (MANE Select); coding-DNA position 7037, A replaced by T.
Protein change: p.Asp2346Val; replaces aspartic acid 2346 with valine.
Molecular consequence: missense variant.
Genome position (GRCh38, 1-based): chr17:31,340,620, A>T. VCF-style: chr17-31340620-A-T. GRCh37 (hg19) VCF-style: chr17-29667638-A-T.
Other names: c.6974A>T, p.Asp2325Val (NM_000267.4); short protein forms D2325V, D2346V.
Identifiers: ClinVar variation 1316940 (VCV001316940.2), dbSNP rs2151561935, ClinGen allele CA399015150.

ClinVar aggregate classification (germline): Uncertain significance (1 of 4 stars; one submission).

Submission:

GeneDx
Classification: Uncertain significance. Last evaluated: 2020-02-20. Review status: criteria provided, single submitter. Criteria: GeneDx Variant Classification Process June 2021. Collection method: clinical testing. Allele origin: germline. Affected: yes.
Comment: Not observed in large population cohorts (Lek et al., 2016); In silico analysis supports that this missense variant has a deleterious effect on protein structure/function; Has not been previously published as pathogenic or benign to our knowledge